The following is an entry in ClinVar:

ClinVar aggregate classification (germline): Likely benign (1 of 4 stars; one submission).

gnomAD v4.1: 71 of 1,584,784 alleles (0.0045%); highest among the groups gnomAD compares: Admixed American, 0.0089%; no homozygotes.

Submission:

CeGaT Center for Human Genetics Tuebingen
Classification: Likely benign. Last evaluated: 2025-11-01. Review status: criteria provided, single submitter. Criteria: CeGaT Center For Human Genetics Tuebingen Variant Classification Criteria Version 2. Collection method: clinical testing. Allele origin: germline. Affected: yes. Observed: 1 variant allele.
Comment: VPS41: BP4, BP7

NM_014396.4(VPS41):c.2424C>T (p.Ser808=)

Gene: VPS41 (VPS41 subunit of HOPS complex; minus strand). Cytogenetic location: 7p14.1.
Variant type: single nucleotide variant.
Coding change: c.2424C>T on transcript NM_014396.4 (MANE Select); coding-DNA position 2424, C replaced by T.
Protein change: p.Ser808=; no amino-acid change (serine 808 retained).
Molecular consequence: synonymous variant.
Genome position (GRCh38, 1-based): chr7:38,726,969, G>A on the plus strand (C>T on the coding strand, the complement: VPS41 is on the minus strand). VCF-style: chr7-38726969-G-A. GRCh37 (hg19) VCF-style: chr7-38766569-G-A.
Other names: c.2349C>T, p.Ser783= (NM_080631.4).
Identifiers: ClinVar variation 4534539 (VCV004534539.6).